The following is an entry in ClinVar:

NM_002691.4(POLD1):c.1373A>G (p.Asp458Gly)

Gene: POLD1 (DNA polymerase delta 1, catalytic subunit; plus strand). Cytogenetic location: 19q13.33.
Variant type: single nucleotide variant.
Coding change: c.1373A>G on transcript NM_002691.4 (MANE Select); coding-DNA position 1373, A replaced by G.
Protein change: p.Asp458Gly; replaces aspartic acid 458 with glycine.
Molecular consequence: missense variant. On other transcripts: non-coding transcript variant (1).
Genome position (GRCh38, 1-based): chr19:50,406,312, A>G. VCF-style: chr19-50406312-A-G. GRCh37 (hg19) VCF-style: chr19-50909569-A-G.
Other names: c.1373A>G, p.Asp458Gly (NM_001256849.1, NM_001308632.1); short protein forms D458G.
Identifiers: ClinVar variation 2701707 (VCV002701707.3), dbSNP rs2122321716, ClinGen allele CA406979975.
Genomic context (GRCh38, chr19:50,406,312, plus strand): 5'-CCAAGCAGACGGGCCGGCGGGACACCAAGGTTGTCAGCATGGTGGGCCGCGTGCAGATGG[A>G]CATGCTGCAGGTATGGGCGGGAGGTGGGGTGTGTCCCTGTCCTTGGAAGGCCACTGCCCA-3'
Protein context (NP_002682.2, residues 448-468): VVSMVGRVQM[Asp458Gly]MLQVLLREYK

ClinVar aggregate classification (germline): Uncertain significance (1 of 4 stars; one submission).

Conditions:
POLD1-related polyposis and colorectal cancer syndrome (CRCS10). Also called: Colorectal cancer 10; Colorectal cancer, susceptibility to, 10; COLORECTAL CANCER, SUSCEPTIBILITY TO, ON CHROMOSOME 19q. Identifiers: Orphanet 220460, MedGen C2675481, MONDO:0012953, OMIM 612591.

Submission:

Labcorp Genetics (formerly Invitae), Labcorp
Classification: Uncertain significance for POLD1-related polyposis and colorectal cancer syndrome. Last evaluated: 2022-11-09. Review status: criteria provided, single submitter. Criteria: Invitae Variant Classification Sherloc (09022015). Collection method: clinical testing. Allele origin: germline.
Comment: This variant is not present in population databases (gnomAD no frequency). This variant has not been reported in the literature in individuals affected with POLD1-related conditions. This sequence change replaces aspartic acid, which is acidic and polar, with glycine, which is neutral and non-polar, at codon 458 of the POLD1 protein (p.Asp458Gly). In summary, the available evidence is currently insufficient to determine the role of this variant in disease. Therefore, it has been classified as a Variant of Uncertain Significance. Advanced modeling of protein sequence and biophysical properties (such as structural, functional, and spatial information, amino acid conservation, physicochemical variation, residue mobility, and thermodynamic stability) performed at Invitae indicates that this missense variant is expected to disrupt POLD1 protein function.